The following is an entry in ClinVar:

NM_014946.4(SPAST):c.1412G>A (p.Gly471Asp)

Gene: SPAST (spastin; plus strand). Cytogenetic location: 2p22.3.
Variant type: single nucleotide variant.
Coding change: c.1412G>A on transcript NM_014946.4 (MANE Select); coding-DNA position 1412, G replaced by A.
Protein change: p.Gly471Asp; replaces glycine 471 with aspartic acid.
Molecular consequence: missense variant.
Genome position (GRCh38, 1-based): chr2:32,136,967, G>A. VCF-style: chr2-32136967-G-A. GRCh37 (hg19) VCF-style: chr2-32362036-G-A.
Other names: c.1409G>A, p.Gly470Asp (NM_001363823.2); c.1313G>A, p.Gly438Asp (NM_001363875.2); c.1316G>A, p.Gly439Asp (NM_001377959.1, NM_199436.2); short protein forms G471D, G438D, G439D, G470D.
Identifiers: ClinVar variation 468565 (VCV000468565.3), dbSNP rs1553318274, ClinGen allele CA346502364.
Genomic context (GRCh38, chr2:32,136,967, plus strand): 5'-GAGAAGGGGAGCACGATGCTAGTAGACGCCTAAAAACTGAATTTCTAATAGAATTTGATG[G>A]TGTAAGTGTTGATTATGATATTTTTAATGTGGCAGCATTTTAGTATATTTTCCTATTAAA-3'
Protein context (NP_055761.2, residues 461-481): LKTEFLIEFD[Gly471Asp]VQSAGDDRVL

ClinVar aggregate classification (germline): Pathogenic. Review status: criteria provided, multiple submitters, no conflicts (2 of 4 stars). 3 submissions from 3 submitters: Pathogenic (3). Last evaluated 2025-07-31.

Conditions:
Paediatric disorders.
Hereditary spastic paraplegia 4. Also called: Spastic paraplegia 4, autosomal dominant; Spastic Paraplegia 4; Familial spastic paraplegia autosomal dominant 2. Identifiers: Orphanet 100985, MedGen C1866855, MONDO:0008438, OMIM 182601.

Submissions (3):

North West Genomic Laboratory Hub, Manchester University NHS Foundation Trust
Classification: Pathogenic for Paediatric disorders. Last evaluated: 2025-07-31. Review status: criteria provided, single submitter. Criteria: ACGS Best Practice Guidelines for Variant Classification in Rare Disease 2024. Collection method: clinical testing. Allele origin: germline. Affected: yes.
Comment: PM1_Mod PM2_Mod PS2_Mod PP1_Mod PS4_Supp PP3_Supp

Dasa
Classification: Pathogenic. Last evaluated: 2025-02-27. Review status: criteria provided, single submitter. Criteria: DASA Assertion Criteria. Collection method: clinical testing. Allele origin: germline.
Comment: NM_014946.4(SPAST):c.1412G>A (p.Gly471Asp) is a missense variant that results in the substitution of glycine with aspartic acid. The affected residue or protein region has prior evidence supporting clinical relevance. De novo occurrence has been reported in an individual with related phenotype. Segregation evidence has been reported in affected families. Functional evidence supports a deleterious effect on the gene or gene product (PMID: 17560499). This variant has been reported in individuals with related phenotype (PMID: 17560499). Multiple computational predictions support a deleterious effect on the gene or gene product. The variant is present at low frequency in population datasets. Based on the available data, this variant is classified as pathogenic.

Labcorp Genetics (formerly Invitae), Labcorp
Classification: Pathogenic for Hereditary spastic paraplegia 4. Last evaluated: 2017-06-19. Review status: criteria provided, single submitter. Criteria: Invitae Variant Classification Sherloc (09022015). Collection method: clinical testing. Allele origin: germline.
Comment: This sequence change replaces glycine with aspartic acid at codon 471 of the SPAST protein (p.Gly471Asp). The glycine residue is highly conserved and there is a moderate physicochemical difference between glycine and aspartic acid. This variant is not present in population databases (ExAC no frequency). This variant has been shown to arise de novo and segregate with disease in a family affected with hereditary spastic paraplegia (HSP) (PMID: 17560499). It has also been reported in an unrelated individual affected with HSP (PMID: 26671083). Algorithms developed to predict the effect of missense changes on protein structure and function do not agree on the potential impact of this missense change (SIFT: "Deleterious"; PolyPhen-2: "Probably Damaging"; Align-GVGD: "Class C15"). For these reasons, this variant has been classified as Pathogenic.

Literature cited by the submitters: PubMed 17560499 (cited by Dasa).